The following is an entry in ClinVar:

NM_001267550.2(TTN):c.6791-1G>C

Genes: TTN (titin; minus strand), LOC126806433 (BRD4-independent group 4 enhancer GRCh37_chr2:179638309-179639508; plus strand). Cytogenetic location: 2q31.2.
Variant type: single nucleotide variant.
Coding change: c.6791-1G>C on transcript NM_001267550.2 (MANE Select); the canonical splice acceptor site of the intron before coding-DNA position 6791, G replaced by C.
Molecular consequence: splice acceptor variant.
Genome position (GRCh38, 1-based): chr2:178,774,474, C>G on the plus strand (G>C on the coding strand, the complement: TTN is on the minus strand). VCF-style: chr2-178774474-C-G. GRCh37 (hg19) VCF-style: chr2-179639201-C-G.
Other names: c.6653-1G>C (NM_003319.4, NM_133437.4, NM_133432.3); c.6791-1G>C (NM_133378.4, NM_001256850.1, NM_133379.5).
Identifiers: ClinVar variation 4784545 (VCV004784545.1).
Genomic context (GRCh38, chr2:178,774,474, plus strand): 5'-CTGAATATGATTCTGGAACTTCTATGTCCTGAAGTTCTTTCACAAACTCAACAACTGCAC[C>G]TGAAGTGTATAACAGAAAGATAAATCAATTTTTTTGGAGAGGTATGCATCTAGACTTAGG-3'

ClinVar aggregate classification (germline): Likely pathogenic (1 of 4 stars; one submission).

Conditions:
Dilated cardiomyopathy 1G (CMD1G). Identifiers: Orphanet 154, MedGen C1858763, MONDO:0011400, OMIM 604145.
Autosomal recessive limb-girdle muscular dystrophy type 2J (LGMDR10). Also called: Limb-girdle muscular dystrophy, type 2J; MUSCULAR DYSTROPHY, LIMB-GIRDLE, AUTOSOMAL RECESSIVE 10. Identifiers: Orphanet 140922, MedGen C1837342, MONDO:0012127, OMIM 608807.

Submission:

Labcorp Genetics (formerly Invitae), Labcorp
Classification: Likely pathogenic for Dilated cardiomyopathy 1G; Autosomal recessive limb-girdle muscular dystrophy type 2J. Last evaluated: 2025-03-26. Review status: criteria provided, single submitter. Criteria: Invitae Variant Classification Sherloc (09022015). Collection method: clinical testing. Allele origin: germline.
Comment: This sequence change affects an acceptor splice site in intron 29 of the TTN gene. It is expected to disrupt RNA splicing and likely results in a truncated or disrupted TTN protein. This variant is not present in population databases (gnomAD no frequency). This variant has not been reported in the literature in individuals affected with TTN-related conditions. Algorithms developed to predict the effect of sequence changes on RNA splicing suggest that this variant may disrupt the consensus splice site. This variant is located in the I band of TTN (PMID: 25589632). Truncating variants in this region have been reported in individuals affected with autosomal recessive centronuclear myopathy (PMID: 23975875, internal data). Truncating variants in this region have also been identified in individuals affected with autosomal dominant dilated cardiomyopathy and/or cardio-related conditions (PMID: 27869827, 32964742, internal data). In summary, the currently available evidence indicates that the variant is pathogenic, but additional data are needed to prove that conclusively. Therefore, this variant has been classified as Likely Pathogenic.

Literature cited by the submitters: PubMed 25589632; PubMed 23975875; PubMed 27869827; PubMed 32964742.